The following is an entry in ClinVar:

ClinVar aggregate classification (germline): Uncertain significance (1 of 4 stars; one submission).

Submission:

Ambry Genetics
Classification: Uncertain significance. Last evaluated: 2024-05-04. Review status: criteria provided, single submitter. Criteria: Ambry Variant Classification Scheme 2023. Collection method: clinical testing. Allele origin: germline.
Comment: The p.L919P variant (also known as c.2756T>C), located in coding exon 24 of the PRKDC gene, results from a T to C substitution at nucleotide position 2756. The leucine at codon 919 is replaced by proline, an amino acid with similar properties. This amino acid position is conserved. In addition, this alteration is predicted to be deleterious by in silico analysis. Based on the available evidence, the clinical significance of this variant remains unclear.

NM_006904.7(PRKDC):c.2756T>C (p.Leu919Pro)

Gene: PRKDC (protein kinase, DNA-activated, catalytic subunit; minus strand). Cytogenetic location: 8q11.21.
Variant type: single nucleotide variant.
Coding change: c.2756T>C on transcript NM_006904.7 (MANE Select); coding-DNA position 2756, T replaced by C.
Protein change: p.Leu919Pro; replaces leucine 919 with proline.
Molecular consequence: missense variant.
Genome position (GRCh38, 1-based): chr8:47,913,926, A>G on the plus strand (T>C on the coding strand, the complement: PRKDC is on the minus strand). VCF-style: chr8-47913926-A-G. GRCh37 (hg19) VCF-style: chr8-48826486-A-G.
Other names: c.2756T>C, p.Leu919Pro (NM_001081640.2); short protein forms L919P.
Identifiers: ClinVar variation 3310139 (VCV003310139.1).